The following is an entry in ClinVar:

ClinVar aggregate classification (germline): Benign/Likely benign. Review status: criteria provided, multiple submitters, no conflicts (2 of 4 stars). 3 submissions from 3 submitters: Benign (1); Likely benign (2). Last evaluated 2026-05-22.

Conditions:
KCNQ4-related disorder. Also called: KCNQ4-related condition.

Allele frequency attached by ClinVar (database versions not stated): TOPMed 0.00003; gnomAD 0.00011; 1000 Genomes Project 30x 0.00016; ExAC 0.00023.

Submissions (3):

PreventionGenetics, part of Exact Sciences
Classification: Likely benign for KCNQ4-related condition. Last evaluated: 2026-05-22. Review status: criteria provided, single submitter. Criteria: ACMG Guidelines, 2015. Collection method: clinical testing. Allele origin: germline.
Comment: This variant is classified as likely benign based on ACMG/AMP sequence variant interpretation guidelines (Richards et al. 2015 PMID: 25741868, with internal and published modifications).

CeGaT Center for Human Genetics Tuebingen
Classification: Likely benign. Last evaluated: 2026-05-01. Review status: criteria provided, single submitter. Criteria: CeGaT Center For Human Genetics Tuebingen Variant Classification Criteria Version 2. Collection method: clinical testing. Allele origin: germline. Affected: yes. Observed: 1 variant allele.
Comment: KCNQ4: PP3, BS2

Labcorp Genetics (formerly Invitae), Labcorp
Classification: Benign. Last evaluated: 2024-03-16. Review status: criteria provided, single submitter. Criteria: Invitae Variant Classification Sherloc (09022015). Collection method: clinical testing. Allele origin: germline.

NM_004700.4(KCNQ4):c.223G>A (p.Ala75Thr)

Gene: KCNQ4 (potassium voltage-gated channel subfamily Q member 4; plus strand). Cytogenetic location: 1p34.2.
Variant type: single nucleotide variant.
Coding change: c.223G>A on transcript NM_004700.4 (MANE Select); coding-DNA position 223, G replaced by A.
Protein change: p.Ala75Thr; replaces alanine 75 with threonine.
Molecular consequence: missense variant.
Genome position (GRCh38, 1-based): chr1:40,784,316, G>A. VCF-style: chr1-40784316-G-A. GRCh37 (hg19) VCF-style: chr1-41249988-G-A.
Other names: c.223G>A (NM_004700.3); c.223G>A, p.Ala75Thr (NM_172163.3); short protein forms A75T.
Identifiers: ClinVar variation 2184819 (VCV002184819.7), dbSNP rs775367552, ClinGen allele CA794464.